The following is an entry in ClinVar:

NM_014991.6(WDFY3):c.5174T>C (p.Ile1725Thr)

Gene: WDFY3 (WD repeat and FYVE domain containing 3; minus strand). Cytogenetic location: 4q21.23.
Variant type: single nucleotide variant.
Coding change: c.5174T>C on transcript NM_014991.6 (MANE Select); coding-DNA position 5174, T replaced by C.
Protein change: p.Ile1725Thr; replaces isoleucine 1725 with threonine.
Molecular consequence: missense variant.
Genome position (GRCh38, 1-based): chr4:84,765,824, A>G on the plus strand (T>C on the coding strand, the complement: WDFY3 is on the minus strand). VCF-style: chr4-84765824-A-G. GRCh37 (hg19) VCF-style: chr4-85686977-A-G.
Other names: short protein forms I1725T.
Identifiers: ClinVar variation 4540350 (VCV004540350.1).

ClinVar aggregate classification (germline): Uncertain significance (1 of 4 stars; one submission).

Submission:

GeneDx
Classification: Uncertain significance. Last evaluated: 2025-06-27. Review status: criteria provided, single submitter. Criteria: GeneDx Variant Classification Process June 2021. Collection method: clinical testing. Allele origin: germline. Affected: yes.
Comment: Not observed at significant frequency in large population cohorts (gnomAD); In silico analysis suggests that this missense variant does not alter protein structure/function; Has not been previously published as pathogenic or benign to our knowledge